The following is an entry in ClinVar:

ClinVar aggregate classification (germline): Conflicting classifications of pathogenicity. Review status: criteria provided, conflicting classifications (1 of 4 stars). 2 submissions from 2 submitters: Uncertain significance (1); Likely benign (1). Last evaluated 2025-01-27.

Conditions:
Hereditary cancer-predisposing syndrome. Also called: Hereditary Cancer Syndrome; Hereditary neoplastic syndrome; Neoplastic Syndromes, Hereditary; Tumor predisposition. Identifiers: Orphanet 140162, MedGen C0027672, MeSH D009386, MONDO:0015356.

Submissions (2):

Ambry Genetics
Classification: Likely benign for Hereditary cancer-predisposing syndrome. Last evaluated: 2025-01-27. Review status: criteria provided, single submitter. Criteria: Ambry Variant Classification Scheme 2023. Collection method: clinical testing. Allele origin: germline.

GeneDx
Classification: Uncertain significance. Last evaluated: 2022-12-28. Review status: criteria provided, single submitter. Criteria: GeneDx Variant Classification Process June 2021. Collection method: clinical testing. Allele origin: germline. Affected: yes.
Comment: Not observed at significant frequency in large population cohorts (gnomAD); In silico analysis supports that this missense variant does not alter protein structure/function; Has not been previously published as pathogenic or benign to our knowledge

NM_006231.4(POLE):c.4370G>C (p.Gly1457Ala)

Gene: POLE (DNA polymerase epsilon, catalytic subunit; minus strand). Cytogenetic location: 12q24.33.
Variant type: single nucleotide variant.
Coding change: c.4370G>C on transcript NM_006231.4 (MANE Select); coding-DNA position 4370, G replaced by C.
Protein change: p.Gly1457Ala; replaces glycine 1457 with alanine.
Molecular consequence: missense variant.
Genome position (GRCh38, 1-based): chr12:132,643,481, C>G on the plus strand (G>C on the coding strand, the complement: POLE is on the minus strand). VCF-style: chr12-132643481-C-G. GRCh37 (hg19) VCF-style: chr12-133220067-C-G.
Other names: short protein forms G1457A.
Identifiers: ClinVar variation 2507142 (VCV002507142.2), dbSNP rs776534749, ClinGen allele CA387381251.
Genomic context (GRCh38, chr12:132,643,481, plus strand): 5'-CTGAACTGGGCCAGAGAGCGCATCTCCAGGTGCTCAAGAGCAAAGGTCTCTGCTTCCCAG[C>G]CTGAAAGGTGCCTCACCAGCTGTTTATTGACCACACACACACAGCCCAGGTGCACCAGGG-3'
Protein context (NP_006222.2, residues 1447-1467): VNKQLVRHLS[Gly1457Ala]WEAETFALEH